The following is an entry in ClinVar:

ClinVar aggregate classification (germline): Pathogenic (1 of 4 stars; one submission).

Conditions:
Mucopolysaccharidosis, MPS-IV-B (MPS4B). Also called: Mucopolysaccharidosis type 4B; Mucopolysaccharidosis type IVB (Morquio); MPS IVB; MORQUIO SYNDROME B; Mucopolysaccharidosis type IV B; Mucopolysaccharidosis Type IVB. Identifiers: Orphanet 309310, Orphanet 582, MedGen C0086652, MONDO:0009660, OMIM 253010.
GM1 gangliosidosis. Identifiers: Orphanet 354, MedGen C0085131, MONDO:0018149.

Submission:

Labcorp Genetics (formerly Invitae), Labcorp
Classification: Pathogenic for Mucopolysaccharidosis, MPS-IV-B; GM1 gangliosidosis. Last evaluated: 2023-01-03. Review status: criteria provided, single submitter. Criteria: Invitae Variant Classification Sherloc (09022015). Collection method: clinical testing. Allele origin: germline.
Comment: For these reasons, this variant has been classified as Pathogenic. This variant has not been reported in the literature in individuals affected with GLB1-related conditions. This variant is not present in population databases (gnomAD no frequency). This sequence change creates a premature translational stop signal (p.Phe197Leufs*32) in the GLB1 gene. It is expected to result in an absent or disrupted protein product. Loss-of-function variants in GLB1 are known to be pathogenic (PMID: 18524657).

Literature cited by the submitters: PubMed 18524657.

NM_000404.4(GLB1):c.591del (p.Phe197fs)

Gene: GLB1 (galactosidase beta 1; minus strand). Cytogenetic location: 3p22.3.
Variant type: Deletion.
Coding change: c.591del on transcript NM_000404.4 (MANE Select); coding-DNA position 591, one base deleted (T; older notation c.591delT).
Protein change: p.Phe197fs; shifts the reading frame from phenylalanine 197.
Molecular consequence: frameshift variant. On other transcripts: intron variant (1).
Genome position (GRCh38, 1-based): chr3:33,058,231, A deleted on the plus strand (T on the coding strand, the reverse complement: GLB1 is on the minus strand); the first of 4 consecutive A bases (chr3:33,058,231-33,058,234); deleting any one gives the same sequence. VCF-style (leftmost placement, unchanged base first): chr3-33058230-CA-C. GRCh37 (hg19) VCF-style: chr3-33099722-CA-C.
Other names: c.735del, p.Phe245fs (NM_001317040.2); c.591del, p.Phe197fs (NM_001393580.1); c.341-4682del (NM_001135602.3); c.501del, p.Phe167fs (NM_001079811.3); short protein forms F167fs, F245fs, F197fs.
Identifiers: ClinVar variation 2942924 (VCV002942924.3), dbSNP rs2125533127, ClinGen allele CA2740094341.